The following is an entry in ClinVar:

ClinVar aggregate classification (germline): Uncertain significance. Review status: criteria provided, multiple submitters, no conflicts (2 of 4 stars). 2 submissions from 2 submitters: Uncertain significance (2). Last evaluated 2026-06-17.

Conditions:
Inborn genetic diseases. Identifiers: MedGen C0950123, MeSH D030342.

Allele frequency attached by ClinVar (database versions not stated): gnomAD exomes below 0.00001.
gnomAD v4.1: 1 of 1,551,620 alleles (0.000064%); highest among the groups gnomAD compares: Admixed American, 0.002%; no homozygotes.

Submissions (2):

Ambry Genetics
Classification: Uncertain significance for Inborn genetic diseases. Last evaluated: 2026-06-17. Review status: criteria provided, single submitter. Criteria: Ambry Variant Classification Scheme 2023. Collection method: clinical testing. Allele origin: germline.
Comment: The c.3533C>A (p.T1178N) alteration is located in exon 14 (coding exon 14) of the ZSWIM6 gene. This alteration results from a C to A substitution at nucleotide position 3533, causing the threonine (T) at amino acid position 1178 to be replaced by an asparagine (N). Based on data from gnomAD, the A allele has an overall frequency of 0.001% (1/156580) total alleles studied. The highest observed frequency was 0.004% (1/24690) of Latino alleles. Based on insufficient or conflicting evidence, the clinical significance of this alteration remains unclear.

Labcorp Genetics (formerly Invitae), Labcorp
Classification: Uncertain significance. Last evaluated: 2023-04-15. Review status: criteria provided, single submitter. Criteria: Invitae Variant Classification Sherloc (09022015). Collection method: clinical testing. Allele origin: germline.
Comment: This sequence change replaces threonine, which is neutral and polar, with asparagine, which is neutral and polar, at codon 1178 of the ZSWIM6 protein (p.Thr1178Asn). The frequency data for this variant in the population databases is considered unreliable, as metrics indicate poor data quality at this position in the gnomAD database. This variant has not been reported in the literature in individuals affected with ZSWIM6-related conditions. Advanced modeling of protein sequence and biophysical properties (such as structural, functional, and spatial information, amino acid conservation, physicochemical variation, residue mobility, and thermodynamic stability) performed at Invitae indicates that this missense variant is not expected to disrupt ZSWIM6 protein function. In summary, the available evidence is currently insufficient to determine the role of this variant in disease. Therefore, it has been classified as a Variant of Uncertain Significance.

NM_020928.2(ZSWIM6):c.3533C>A (p.Thr1178Asn)

Gene: ZSWIM6 (zinc finger SWIM-type containing 6; plus strand). Cytogenetic location: 5q12.1.
Variant type: single nucleotide variant.
Coding change: c.3533C>A on transcript NM_020928.2 (MANE Select); coding-DNA position 3533, C replaced by A.
Protein change: p.Thr1178Asn; replaces threonine 1178 with asparagine.
Molecular consequence: missense variant.
Genome position (GRCh38, 1-based): chr5:61,544,202, C>A. VCF-style: chr5-61544202-C-A. GRCh37 (hg19) VCF-style: chr5-60840029-C-A.
Other names: c.3533C>A (NM_020928.1); short protein forms T1178N.
Identifiers: ClinVar variation 2887624 (VCV002887624.4), dbSNP rs1251411688, ClinGen allele CA359947819.